The following is an entry in ClinVar:

ClinVar aggregate classification (germline): Uncertain significance (1 of 4 stars; one submission).

Submission:

Labcorp Genetics (formerly Invitae), Labcorp
Classification: Uncertain significance. Last evaluated: 2025-06-09. Review status: criteria provided, single submitter. Criteria: Invitae Variant Classification Sherloc (09022015). Collection method: clinical testing. Allele origin: germline.
Comment: This sequence change replaces glycine, which is neutral and non-polar, with cysteine, which is neutral and slightly polar, at codon 48 of the AVP protein (p.Gly48Cys). This variant is not present in population databases (gnomAD no frequency). This missense change has been observed in individual(s) with diabetes insipidus (internal data). An algorithm developed to predict the effect of missense changes on protein structure and function (PolyPhen-2) suggests that this variant is likely to be disruptive. This variant disrupts the p.Gly48 amino acid residue in AVP. Other variant(s) that disrupt this residue have been observed in individuals with AVP-related conditions (PMID: 1740104; internal data), which suggests that this may be a clinically significant amino acid residue. In summary, the available evidence is currently insufficient to determine the role of this variant in disease. Therefore, it has been classified as a Variant of Uncertain Significance.

Literature cited by the submitters: PubMed 1740104.

NM_000490.5(AVP):c.142G>T (p.Gly48Cys)

Gene: AVP (arginine vasopressin; minus strand). Cytogenetic location: 20p13.
Variant type: single nucleotide variant.
Coding change: c.142G>T on transcript NM_000490.5 (MANE Select); coding-DNA position 142, G replaced by T.
Protein change: p.Gly48Cys; replaces glycine 48 with cysteine.
Molecular consequence: missense variant.
Genome position (GRCh38, 1-based): chr20:3,083,157, C>A on the plus strand (G>T on the coding strand, the complement: AVP is on the minus strand). VCF-style: chr20-3083157-C-A. GRCh37 (hg19) VCF-style: chr20-3063803-C-A.
Other names: short protein forms G48C.
Identifiers: ClinVar variation 4715400 (VCV004715400.1).